The following is an entry in ClinVar:

NM_001199267.2(DGKZ):c.1961A>G (p.His654Arg)

Gene: DGKZ (diacylglycerol kinase zeta; plus strand). Cytogenetic location: 11p11.2.
Variant type: single nucleotide variant.
Coding change: c.1961A>G on transcript NM_001199267.2 (MANE Select); coding-DNA position 1961, A replaced by G.
Protein change: p.His654Arg; replaces histidine 654 with arginine.
Molecular consequence: missense variant.
Genome position (GRCh38, 1-based): chr11:46,375,904, A>G. VCF-style: chr11-46375904-A-G. GRCh37 (hg19) VCF-style: chr11-46397454-A-G.
Other names: c.2528A>G, p.His843Arg (NM_001105540.2); c.1964A>G, p.His655Arg (NM_001199266.2, NM_003646.4); c.1895A>G, p.His632Arg (NM_001199268.2); c.2012A>G, p.His671Arg (NM_201532.3); c.1976A>G, p.His659Arg (NM_201533.3); short protein forms H671R, H843R, H654R, H632R, H655R, H659R.
Identifiers: ClinVar variation 1903215 (VCV001903215.6), dbSNP rs747770689, ClinGen allele CA5963010.

ClinVar aggregate classification (germline): Uncertain significance. Review status: criteria provided, multiple submitters, no conflicts (2 of 4 stars). 2 submissions from 2 submitters: Uncertain significance (2). Last evaluated 2022-08-02.

Allele frequency attached by ClinVar (database versions not stated): gnomAD exomes 0.00001; TOPMed 0.00001; ExAC 0.00003.
gnomAD v4.1: 11 of 1,594,476 alleles (0.00069%); highest among the groups gnomAD compares: Middle Eastern, 0.017%; no homozygotes.

Submissions (2):

Labcorp Genetics (formerly Invitae), Labcorp
Classification: Uncertain significance. Last evaluated: 2022-08-02. Review status: criteria provided, single submitter. Criteria: Invitae Variant Classification Sherloc (09022015). Collection method: clinical testing. Allele origin: germline.
Comment: In summary, the available evidence is currently insufficient to determine the role of this variant in disease. Therefore, it has been classified as a Variant of Uncertain Significance. Algorithms developed to predict the effect of missense changes on protein structure and function (SIFT, PolyPhen-2, Align-GVGD) all suggest that this variant is likely to be tolerated. This sequence change replaces histidine, which is basic and polar, with arginine, which is basic and polar, at codon 843 of the DGKZ protein (p.His843Arg). The frequency data for this variant in the population databases is considered unreliable, as metrics indicate poor data quality at this position in the gnomAD database. This variant has not been reported in the literature in individuals affected with DGKZ-related conditions.

Ambry Genetics
Classification: Uncertain significance. Last evaluated: 2021-07-21. Review status: criteria provided, single submitter. Criteria: Ambry Variant Classification Scheme 2023. Collection method: clinical testing. Allele origin: germline.